The following is an entry in ClinVar:

ClinVar aggregate classification (germline): Likely pathogenic. Review status: reviewed by expert panel (3 of 4 stars). 3 submissions from 3 submitters: Likely pathogenic (1). 2 of the submissions do not count toward it. Last evaluated 2023-05-11.

Conditions:
Creatine transporter deficiency (CCDS1). Also called: Creatine Transporter (CRTR) Deficiency; Mental retardation , X-linked with seizures, short stature and midface hypoplasia; Mental retardation , X-linked, with creatine transport deficiency; X-linked creatine transporter deficiency; X-linked creatine deficiency syndrome; SLC6A8-Related Creatine Transporter Deficiency. Identifiers: Orphanet 52503, MedGen C1845862, MONDO:0010305, OMIM 300352.

Submissions (3):

ClinGen Cerebral Creatine Deficiency Syndromes Variant Curation Expert Panel, ClinGen
Classification: Likely pathogenic for Creatine transporter deficiency. Last evaluated: 2023-05-11. Review status: reviewed by expert panel. Criteria: ClinGen_CCDS_ACMG_Specifications_SLC6A8_v1.1. Collection method: curation. Allele origin: germline. Inheritance: X-linked inheritance.
Comment: The NM_005629.4:c.942_944del variant in SLC6A8 is predicted to cause a change in the length of the protein (p.Phe315del) due to an in-frame deletion of one amino acid in a non-repeat region (PM4). The variant has been identified in two individuals with clinical symptoms consistent with creatine transporter deficiency. The variant is predicted to be damaging by in silico predictors (PP3), and it is absent in gnomAD v2.1.1. (PM2_Supporting). There is a ClinVar entry for this variant (Variation ID: 983532). In summary, this variant meets the criteria to be classified as likely pathogenic for X-linked creatine transporter deficiency. SLC6A8-specific ACMG/AMP criteria met, as specified by the ClinGen CCDS Variant Curation Expert Panel (Specifications Version 1.1.0): PP4_Strong, PM4, PP3, PS4_Supporting, PM2_Supporting. (Classification approved by the ClinGen Cerebral Creatine Deficiency Syndromes Variant Curation Expert Panel on May 11, 2023)

OLLIN Analises Genomicas, OLLIN
Classification: Likely pathogenic for Creatine transporter deficiency. Last evaluated: 2025-10-27. Review status: criteria provided, single submitter. Criteria: ACMG Guidelines 2015 PMID 25741868. Collection method: clinical testing. Allele origin: germline. Affected: yes. Observed: 2 variant alleles. Not counted in ClinVar's aggregate classification.
Comment: The inframe deletion (chrX:153693289TTTC>T), located in exon 6 (of 13), absent in gnomAD v4.1 non-UKB, is reported in ClinVar (VCV000983532.5) and in the scientific literature in individuals with cerebral creatine deficiency (PMID: 17825809, 18925426, 19706062). This variant removes an amino acid without altering the reading frame, but reducing the size of the protein function. According to the currently available evidence, with the specific ClinGen criteria for the gene (PMID: 38452609) and with the expert panel classification for this variant (UUID: 90a0d8b8-305c-402c-ad2b-e589b7876220), it has been classified as likely pathogenic (PM2_P, PM4, PP3, PP4_S).

Institute for Genomic Statistics and Bioinformatics, University Hospital Bonn
Classification: Pathogenic for Creatine transporter deficiency. Review status: criteria provided, single submitter. Criteria: ACMG Guidelines, 2015. Collection method: clinical testing. Allele origin: maternal. Inheritance: X-linked recessive inheritance. Affected: yes. Observed: 1 hemizygote. Not counted in ClinVar's aggregate classification.
Comment: The deletion of the 3 bases TTC in exon 6 in SLC6A8 leads to the loss of the highly conserved amino acid phenylalanine in position 314 in SLC6A8. Bioinformatic prediction programs like Mutation Probe and GERP classify this variant as pathogenic one. According to ACMG guidelines c.940_942delTTCin SLC6A8 is also classified as pathogenic. Classification according to ACMG guidelines of c.940_942delTTCin SLC6A8: pathogenic - PS4: The prevalence of the variant in affected individuals compared to the prevalence in controls significantly increased. - PM1: The variant is located in a mutation hotspot - PM2: The variant was not found in population genetic studies (such as GnomAD, Iranome, GME, 1kGP, etc.) observed. - PM4: The protein length changes due to deletion in a non-repetitive region of LAMA1. - PP3: Bioinformatic prediction programs such as GERP and MutationTaster grade this variant as pathogenic. The gene SLC6A8 (MIM*300036) encodes for the creatine neurotransmitter protein Solute Carrier Family 6 Members 8. Mutations in SLC6A8 are described in patents with Cerebral Creatine Deficiency Syndrome 1 (MIM#300352). A creatine transporter deficiency (CRTR-D) is one of the most common causes of X-linked mental retardation. Men with SLC6A8 mutations suffer from mental retardation, autistic features, speech delay and epilepsy. Epilepsy with varying degrees of severity affects about 50% of patients with CRTR-D. Patients with the variant of c.940_942delTTC have already been described in four publications. A therapeutical Possibility is the supplementation of creatine or creatine analogues.5

Literature cited by the submitters: PubMed 17825809 (cited by OLLIN Analises Genomicas, OLLIN); PubMed 18925426 (cited by OLLIN Analises Genomicas, OLLIN); PubMed 19706062 (cited by OLLIN Analises Genomicas, OLLIN); PubMed 38452609 (cited by OLLIN Analises Genomicas, OLLIN).

NM_005629.4(SLC6A8):c.942_944del (p.Phe315del)

Gene: SLC6A8 (solute carrier family 6 member 8; plus strand). Cytogenetic location: Xq28.
Variant type: Deletion.
Coding change: c.942_944del on transcript NM_005629.4 (MANE Select); coding-DNA positions 942 to 944, 3 bases deleted (CTT; older notation c.942_944delCTT).
Protein change: p.Phe315del; deletes phenylalanine 315.
Molecular consequence: inframe deletion.
Genome position (GRCh38, 1-based): chrX:153,693,292-153,693,294, CTT deleted; deleting any 3 consecutive bases within chrX:153,693,290-153,693,294 gives the same sequence; the c. name uses the placement nearest the transcript's 3' end. VCF-style (leftmost placement, unchanged base first): chrX-153693289-TTTC-T. GRCh37 (hg19) VCF-style: chrX-152958744-TTTC-T.
Other names: NM_005629.4(SLC6A8):c.942_944del; p.Phe315del; c.942_944del, p.Phe315del (NM_001142805.2); c.597_599del, p.Phe200del (NM_001142806.1); c.940_942delTTC (NM_005629.4); short protein forms F200del, F315del.
Identifiers: ClinVar variation 983532 (VCV000983532.6), dbSNP rs2091467532, ClinGen allele CA1139667843.